The following is an entry in ClinVar:

ClinVar aggregate classification (germline): Uncertain significance (1 of 4 stars; one submission).

Conditions:
Emery-Dreifuss muscular dystrophy (EDMD). Also called: Scapuloperoneal syndrome, X-linked (formerly); Humeroperoneal neuromuscular disease, (formerly). Identifiers: Orphanet 261, MedGen C0410189, MONDO:0016830.

gnomAD v4.1: 1 of 1,614,220 alleles (0.000062%); highest among the groups gnomAD compares: Admixed American, 0.0017%; no homozygotes.

Submission:

Labcorp Genetics (formerly Invitae), Labcorp
Classification: Uncertain significance for Emery-Dreifuss muscular dystrophy. Last evaluated: 2022-06-27. Review status: criteria provided, single submitter. Criteria: Invitae Variant Classification Sherloc (09022015). Collection method: clinical testing. Allele origin: germline.
Comment: In summary, the available evidence is currently insufficient to determine the role of this variant in disease. Therefore, it has been classified as a Variant of Uncertain Significance. Algorithms developed to predict the effect of missense changes on protein structure and function output the following: SIFT: "Tolerated"; PolyPhen-2: "Benign"; Align-GVGD: "Class C0". The serine amino acid residue is found in multiple mammalian species, which suggests that this missense change does not adversely affect protein function. This variant has not been reported in the literature in individuals affected with SUN1-related conditions. This variant is present in population databases (no rsID available, gnomAD 0.0009%). This sequence change replaces proline, which is neutral and non-polar, with serine, which is neutral and polar, at codon 133 of the SUN1 protein (p.Pro133Ser).

NM_001130965.3(SUN1):c.397C>T (p.Pro133Ser)

Gene: SUN1 (Sad1 and UNC84 domain containing 1; plus strand). Cytogenetic location: 7p22.3.
Variant type: single nucleotide variant.
Coding change: c.397C>T on transcript NM_001130965.3 (MANE Select); coding-DNA position 397, C replaced by T.
Protein change: p.Pro133Ser; replaces proline 133 with serine.
Molecular consequence: missense variant. On other transcripts: 5 prime UTR variant (4), non-coding transcript variant (3).
Genome position (GRCh38, 1-based): chr7:842,076, C>T. VCF-style: chr7-842076-C-T. GRCh37 (hg19) VCF-style: chr7-881713-C-T.
Other names: c.397C>T, p.Pro133Ser (NM_001171944.2, NM_001171946.2, NM_001367633.1 and 34 more transcripts); c.460C>T, p.Pro154Ser (NM_001171945.2); c.-61C>T (NM_001367635.1); c.247C>T, p.Pro83Ser (NM_001367636.1, NM_001367637.1, NM_001367644.1 and 25 more transcripts); c.-171C>T (NM_001367639.1, NM_001367708.1); c.616C>T, p.Pro206Ser (NM_001367651.1); c.-365C>T (NM_001367658.1); c.208C>T, p.Pro70Ser (NM_001367695.1); short protein forms P154S, P133S, P70S, P83S, P206S.
Identifiers: ClinVar variation 2058706 (VCV002058706.4), dbSNP rs1212790825, ClinGen allele CA366547087.
Genomic context (GRCh38, chr7:842,076, plus strand): 5'-TCCTCTGGCGTCAGCCACGGCGGCACTGTCAGCCTGCAGGATGCTGTGACTCGACGGCCT[C>T]CTGTATTGGACGAGTCTTGGATTCGTGAACAGACCACAGTGGACCACTTCTGGGGTGAGT-3'
Protein context (NP_001124437.1, residues 123-143): SLQDAVTRRP[Pro133Ser]VLDESWIREQ